The following is an entry in ClinVar:

ClinVar aggregate classification (germline): Uncertain significance. Review status: criteria provided, single submitter (1 of 4 stars). 2 submissions from 2 submitters: Uncertain significance (1). 1 of the submissions does not count toward it. Last evaluated 2021-07-30.

Conditions:
Ventricular septal defect 2 (VSD2). Identifiers: MedGen C3280783, MONDO:0013748, OMIM 614431.
CITED2-related disorder. Also called: CITED2-related condition.

Submissions (2):

Department of Pathology and Laboratory Medicine, Sinai Health System
Classification: Uncertain significance for ventricular septal defect 2. Last evaluated: 2021-07-30. Review status: criteria provided, single submitter. Criteria: ACMG Guidelines, 2015. Collection method: research. Allele origin: germline.

PreventionGenetics, part of Exact Sciences
Classification: Uncertain significance for CITED2-related condition. Last evaluated: 2023-10-20. Review status: no assertion criteria provided. Collection method: clinical testing. Allele origin: germline. Not counted in ClinVar's aggregate classification.
Comment: The CITED2 c.525_551dup27 variant is predicted to result in an in-frame duplication (p.Gly177_Gly185dup). To our knowledge, this variant has not been reported in the literature. This variant is reported in 0.0098% of alleles in individuals of African descent in gnomAD; however, this variant is located in a low complexity region and frequency estimates may not be reliable. At this time, the clinical significance of this variant is uncertain due to the absence of conclusive functional and genetic evidence.

NM_006079.5(CITED2):c.510_536dup (p.Gly180_Ser181insGlySerSerThrProGlyGlySerGly)

Genes: CITED2 (Cbp/p300 interacting transactivator with Glu/Asp rich carboxy-terminal domain 2; minus strand), LOC129997307 (ATAC-STARR-seq lymphoblastoid silent region 17609; plus strand). Cytogenetic location: 6q24.1.
Variant type: Duplication.
Coding change: c.510_536dup on transcript NM_006079.5 (MANE Select); coding-DNA positions 510 to 536, 27 bases duplicated (GGGCGGCAGCAGCACCCCCGGCGGCTC).
Protein change: p.Gly180_Ser181insGlySerSerThrProGlyGlySerGly.
Genome position (GRCh38, 1-based): chr6:139,373,409-139,373,435, GAGCCGCCGGGGGTGCTGCTGCCGCCC duplicated on the plus strand (GGGCGGCAGCAGCACCCCCGGCGGCTC on the coding strand, the reverse complement: CITED2 is on the minus strand); duplicating any 27 consecutive bases within chr6:139,373,409-139,373,461 gives the same sequence; the c. name uses the placement nearest the transcript's 3' end. VCF-style (leftmost placement, unchanged base first): chr6-139373408-A-AGAGCCGCCGGGGGTGCTGCTGCCGCCC. GRCh37 (hg19) VCF-style: chr6-139694545-A-AGAGCCGCCGGGGGTGCTGCTGCCGCCC.
Other names: c.510_536dup, p.Gly180_Ser181insGlySerSerThrProGlyGlySerGly (NM_001168388.3); c.525_551dup, p.Gly185_Ser186insGlySerSerThrProGlyGlySerGly (NM_001168389.3).
Identifiers: ClinVar variation 3054446 (VCV003054446.3), dbSNP rs779637348, ClinGen allele CA570979107.